The following is an entry in ClinVar:

ClinVar aggregate classification (germline): Uncertain significance. Review status: criteria provided, multiple submitters, no conflicts (2 of 4 stars). 2 submissions from 2 submitters: Uncertain significance (2). Last evaluated 2023-07-03.

Conditions:
Hereditary cancer-predisposing syndrome. Also called: Tumor predisposition; Neoplastic Syndromes, Hereditary; Hereditary Cancer Syndrome; Hereditary neoplastic syndrome. Identifiers: Orphanet 140162, MedGen C0027672, MeSH D009386, MONDO:0015356.

Allele frequency attached by ClinVar (database versions not stated): gnomAD exomes below 0.00001; gnomAD 0.00001.
gnomAD v4.1: 4 of 1,614,002 alleles (0.00025%); highest among the groups gnomAD compares: Non-Finnish European, 0.00034%; no homozygotes.

Submissions (2):

Ambry Genetics
Classification: Uncertain significance for Hereditary cancer-predisposing syndrome. Last evaluated: 2023-07-03. Review status: criteria provided, single submitter. Criteria: Ambry Variant Classification Scheme 2023. Collection method: clinical testing. Allele origin: germline.
Comment: The p.G56S variant (also known as c.166G>A), located in coding exon 1 of the PHOX2B gene, results from a G to A substitution at nucleotide position 166. The glycine at codon 56 is replaced by serine, an amino acid with similar properties. This amino acid position is conserved. In addition, the in silico prediction for this alteration is inconclusive. Since supporting evidence is limited at this time, the clinical significance of this alteration remains unclear.

GeneDx
Classification: Uncertain significance. Last evaluated: 2019-12-13. Review status: criteria provided, single submitter. Criteria: GeneDx Variant Classification Process June 2021. Collection method: clinical testing. Allele origin: germline. Affected: yes.
Comment: Not observed in large population cohorts (Lek 2016); In silico analysis, which includes protein predictors and evolutionary conservation, supports that this variant does not alter protein structure/function; Has not been previously published as pathogenic or benign to our knowledge

NM_003924.4(PHOX2B):c.166G>A (p.Gly56Ser)

Genes: PHOX2B-AS1 (PHOX2B antisense RNA 1; plus strand), PHOX2B (paired like homeobox 2B; minus strand). Cytogenetic location: 4p13.
Variant type: single nucleotide variant.
Coding change: c.166G>A on transcript NM_003924.4 (MANE Select); coding-DNA position 166, G replaced by A.
Protein change: p.Gly56Ser; replaces glycine 56 with serine.
Molecular consequence: missense variant.
Genome position (GRCh38, 1-based): chr4:41,748,445, C>T on the plus strand (G>A on the coding strand, the complement: PHOX2B is on the minus strand). VCF-style: chr4-41748445-C-T. GRCh37 (hg19) VCF-style: chr4-41750462-C-T.
Other names: short protein forms G56S.
Identifiers: ClinVar variation 1311279 (VCV001311279.4), dbSNP rs1194861348, ClinGen allele CA356740940.
Genomic context (GRCh38, chr4:41,748,445, plus strand): 5'-TGCTCTGGTGGTCCCTGAGGGTGCCCAGGCTGCAGGATCCCGGCGTGAGGGAAGGGCAGC[C>T]GGACGTGGCCCCAAAAGTGGTCCTTATCGGGTTATACTGGAAGCCACTGGCCTGGCTGCA-3'
Protein context (NP_003915.2, residues 46-66): PIRTTFGATS[Gly56Ser]CPSLTPGSCS